The following is an entry in ClinVar:

ClinVar aggregate classification (germline): Pathogenic (1 of 4 stars; one submission).

Conditions:
Developmental and epileptic encephalopathy, 9 (DEE9). Also called: JUBERG-HELLMAN SYNDROME; EPILEPSY, FEMALE-RESTRICTED, WITH MENTAL RETARDATION; Early infantile epileptic encephalopathy 9; PCDH19-Related X-Linked Female-Limited Epilepsy with Mental Retardation. Identifiers: Orphanet 101039, Orphanet 2076, MedGen C1848137, MONDO:0010246, OMIM 300088. Disease mechanism: loss of function.

Submission:

Labcorp Genetics (formerly Invitae), Labcorp
Classification: Pathogenic for Developmental and epileptic encephalopathy, 9. Last evaluated: 2020-12-10. Review status: criteria provided, single submitter. Criteria: Invitae Variant Classification Sherloc (09022015). Collection method: clinical testing. Allele origin: germline.
Comment: This variant has been observed in individual(s) with PÇDH19-related epilepsy (PMID: 25227595). In at least one individual the variant was observed to be de novo. This variant is not present in population databases (ExAC no frequency). This sequence change creates a premature translational stop signal (p.Val589Cysfs*8) in the PCDH19 gene. It is expected to result in an absent or disrupted protein product. Loss-of-function variants in PCDH19 are known to be pathogenic (PMID: 21053371). For these reasons, this variant has been classified as Pathogenic.

Literature cited by the submitters: PubMed 25227595; PubMed 21053371.

NM_001184880.2(PCDH19):c.1765_1766del (p.Val589fs)

Gene: PCDH19 (protocadherin 19; minus strand). Cytogenetic location: Xq22.1.
Variant type: Deletion.
Coding change: c.1765_1766del on transcript NM_001184880.2 (MANE Select); coding-DNA positions 1765 to 1766, 2 bases deleted (GT; older notation c.1765_1766delGT).
Protein change: p.Val589fs; shifts the reading frame from valine 589.
Molecular consequence: frameshift variant.
Genome position (GRCh38, 1-based): chrX:100,406,832-100,406,833, AC deleted on the plus strand (GT on the coding strand, the reverse complement: PCDH19 is on the minus strand); deleting any 2 consecutive bases within chrX:100,406,832-100,406,834 gives the same sequence; the c. name uses the placement nearest the transcript's 3' end. VCF-style (leftmost placement, unchanged base first): chrX-100406831-AAC-A. GRCh37 (hg19) VCF-style: chrX-99661829-AAC-A.
Other names: c.1765_1766del, p.Val589fs (NM_001105243.2, NM_020766.3); short protein forms V589fs.
Identifiers: ClinVar variation 1455565 (VCV001455565.8), dbSNP rs2147537854, ClinGen allele CA2573159036.